The following is an entry in ClinVar:

ClinVar aggregate classification (germline): Likely benign. Review status: criteria provided, multiple submitters, no conflicts (2 of 4 stars). 2 submissions from 2 submitters: Likely benign (2). Last evaluated 2025-06-04.

Conditions:
Tuberous sclerosis 2 (TSC2). Identifiers: Orphanet 805, MedGen C1860707, MONDO:0013199, OMIM 613254.

gnomAD v4.1: 1 of 1,611,800 alleles (0.000062%); highest among the groups gnomAD compares: South Asian, 0.0011%; no homozygotes.

Submissions (2):

Myriad Genetics, Inc.
Classification: Likely benign for Tuberous sclerosis 2. Last evaluated: 2025-06-04. Review status: criteria provided, single submitter. Criteria: Myriad Autosomal Dominant, Autosomal Recessive and X-Linked Classification Criteria (2023). Collection method: clinical testing. Allele origin: unknown.
Comment: This variant is considered likely benign. This variant is intronic and is not expected to impact mRNA splicing.

Labcorp Genetics (formerly Invitae), Labcorp
Classification: Likely benign for Tuberous sclerosis 2. Last evaluated: 2025-01-28. Review status: criteria provided, single submitter. Criteria: Invitae Variant Classification Sherloc (09022015). Collection method: clinical testing. Allele origin: germline.

NM_000548.5(TSC2):c.4663-13C>T

Gene: TSC2 (TSC complex subunit 2; plus strand). Cytogenetic location: 16p13.3.
Variant type: single nucleotide variant.
Coding change: c.4663-13C>T on transcript NM_000548.5 (MANE Select); 13 bases into the intron before coding-DNA position 4663, C replaced by T.
Molecular consequence: intron variant.
Genome position (GRCh38, 1-based): chr16:2,086,180, C>T. VCF-style: chr16-2086180-C-T. GRCh37 (hg19) VCF-style: chr16-2136181-C-T.
Other names: c.4594-13C>T (NM_001114382.3); c.4534-13C>T (NM_021055.3, NM_001370405.1); c.4465-13C>T (NM_001363528.2); c.4531-13C>T (NM_001370404.1); c.4462-13C>T (NM_001077183.3); c.4354-13C>T (NM_001318827.2); c.3931-13C>T (NM_001318831.2); c.4318-13C>T (NM_001318829.2); and 1 more.
Identifiers: ClinVar variation 2139828 (VCV002139828.5), dbSNP rs966007423, ClinGen allele CA2575877847.